The following is an entry in ClinVar:

ClinVar aggregate classification (germline): Uncertain significance (1 of 4 stars; one submission).

Conditions:
MYCBP2-related disorder. Also called: MYCBP2-related condition.

Submission:

PreventionGenetics, part of Exact Sciences
Classification: Uncertain significance for MYCBP2-related condition. Last evaluated: 2025-12-09. Review status: criteria provided, single submitter. Criteria: ACMG Guidelines, 2015. Collection method: clinical testing. Allele origin: germline.
Comment: The MYCBP2 c.6515C>T variant is predicted to result in the amino acid substitution p.Ala2172Val. To our knowledge, this variant has not been reported in the literature or in a large population database (gnomAD), indicating this variant is rare. At this time, the clinical significance of this variant is uncertain due to the absence of conclusive functional and genetic evidence.

NM_015057.5(MYCBP2):c.6515C>T (p.Ala2172Val)

Gene: MYCBP2 (MYC binding protein 2; minus strand). Cytogenetic location: 13q22.3.
Variant type: single nucleotide variant.
Coding change: c.6515C>T on transcript NM_015057.5 (MANE Select); coding-DNA position 6515, C replaced by T.
Protein change: p.Ala2172Val; replaces alanine 2172 with valine.
Molecular consequence: missense variant.
Genome position (GRCh38, 1-based): chr13:77,164,486, G>A on the plus strand (C>T on the coding strand, the complement: MYCBP2 is on the minus strand). VCF-style: chr13-77164486-G-A. GRCh37 (hg19) VCF-style: chr13-77738621-G-A.
Other names: short protein forms A2172V.
Identifiers: ClinVar variation 3355265 (VCV003355265.2).